The following is an entry in ClinVar:

ClinVar aggregate classification (germline): Conflicting classifications of pathogenicity. Review status: criteria provided, conflicting classifications (1 of 4 stars). 8 submissions from 8 submitters: Uncertain significance (1); Benign (3); Likely benign (4). Last evaluated 2026-02-03.

Conditions:
Rhabdoid tumor predisposition syndrome 2 (RTPS2). Identifiers: Orphanet 231108, Orphanet 69077, MedGen C2750074, MONDO:0013224, OMIM 613325.
Hereditary cancer-predisposing syndrome. Also called: Tumor predisposition; Hereditary Cancer Syndrome; Hereditary neoplastic syndrome; Neoplastic Syndromes, Hereditary. Identifiers: Orphanet 140162, MedGen C0027672, MeSH D009386, MONDO:0015356.

Allele frequency attached by ClinVar (database versions not stated): gnomAD exomes 0.00455 and 0.00525; ExAC 0.00772; ESP Exome Variant Server 0.00272; TOPMed 0.00297; 1000 Genomes Project 30x 0.00312; 1000 Genomes Project 0.00339; gnomAD 0.00381 and 0.00398.
gnomAD v4.1: 7,929 of 1,562,620 alleles (0.51%); highest among the groups gnomAD compares: South Asian, 1.1%; 37 homozygotes.

Submissions (8):

Labcorp Genetics (formerly Invitae), Labcorp
Classification: Benign for Rhabdoid tumor predisposition syndrome 2. Last evaluated: 2026-02-03. Review status: criteria provided, single submitter. Criteria: Invitae Variant Classification Sherloc (09022015). Collection method: clinical testing. Allele origin: germline.

ARUP Laboratories, Molecular Genetics and Genomics, ARUP Laboratories
Classification: Benign. Last evaluated: 2024-12-31. Review status: criteria provided, single submitter. Criteria: ARUP Molecular Germline Variant Investigation Process 2024. Collection method: clinical testing. Allele origin: germline.

Blueprint Genetics
Classification: Likely benign. Last evaluated: 2024-11-28. Review status: criteria provided, single submitter. Criteria: ACMG Guidelines, 2015. Collection method: clinical testing. Allele origin: germline.

CeGaT Center for Human Genetics Tuebingen
Classification: Benign. Last evaluated: 2022-08-01. Review status: criteria provided, single submitter. Criteria: CeGaT Center For Human Genetics Tuebingen Variant Classification Criteria Version 2. Collection method: clinical testing. Allele origin: germline. Affected: yes. Observed: 1 variant allele.
Comment: SMARCA4: BS1, BS2

GeneDx
Classification: Likely benign. Last evaluated: 2017-10-30. Review status: criteria provided, single submitter. Criteria: GeneDx Variant Classification (06012015). Collection method: clinical testing. Allele origin: germline. Affected: yes.
Comment: This variant is considered likely benign or benign based on one or more of the following criteria: it is a conservative change, it occurs at a poorly conserved position in the protein, it is predicted to be benign by multiple in silico algorithms, and/or has population frequency not consistent with disease.

Center for Pediatric Genomic Medicine, Children's Mercy Hospital and Clinics
Classification: Likely benign. Last evaluated: 2017-05-15. Review status: criteria provided, single submitter. Criteria: ACMG Guidelines, 2015. Collection method: clinical testing. Allele origin: germline.

Ambry Genetics
Classification: Uncertain significance for Hereditary cancer-predisposing syndrome. Last evaluated: 2016-11-22. Review status: criteria provided, single submitter. Criteria: Ambry Variant Classification Scheme 2023. Collection method: clinical testing. Allele origin: germline.
Comment: The c.222+18C>T intronic alteration consists of a C to T substitution 8 nucleotides after coding exon 1 in the SMARCA4 gene. Based on insufficient or conflicting evidence, the clinical significance of this alteration remains unclear.

Breakthrough Genomics
Classification: Likely benign. Review status: criteria provided, single submitter. Criteria: ACMG Guidelines, 2015. Collection method: not provided. Allele origin: germline. Inheritance: Autosomal dominant inheritance. Affected: yes.

NM_003072.5(SMARCA4):c.222+18C>T

Gene: SMARCA4 (SWI/SNF related BAF chromatin remodeling complex subunit ATPase 4; plus strand). Cytogenetic location: 19p13.2.
Variant type: single nucleotide variant.
Coding change: c.222+18C>T on transcript NM_003072.5 (MANE Select); 18 bases into the intron after coding-DNA position 222, C replaced by T.
Molecular consequence: intron variant.
Genome position (GRCh38, 1-based): chr19:10,984,391, C>T. VCF-style: chr19-10984391-C-T. GRCh37 (hg19) VCF-style: chr19-11095067-C-T.
Other names: c.222+18C>T (NM_001128844.3, NM_001128849.3, NM_001128847.4 and 5 more transcripts).
Identifiers: ClinVar variation 380632 (VCV000380632.39), dbSNP rs180832203, ClinGen allele CA9203418.